The following is an entry in ClinVar:

NM_000179.3(MSH6):c.2958C>T (p.Thr986=)

Gene: MSH6 (mutS homolog 6; plus strand). Cytogenetic location: 2p16.3.
Variant type: single nucleotide variant.
Coding change: c.2958C>T on transcript NM_000179.3 (MANE Select); coding-DNA position 2958, C replaced by T.
Protein change: p.Thr986=; no amino-acid change (threonine 986 retained).
Molecular consequence: synonymous variant.
Genome position (GRCh38, 1-based): chr2:47,800,941, C>T. VCF-style: chr2-47800941-C-T. GRCh37 (hg19) VCF-style: chr2-48028080-C-T.
Other names: c.2568C>T, p.Thr856= (NM_001281492.2); c.2052C>T, p.Thr684= (NM_001281493.2, NM_001281494.2).
Identifiers: ClinVar variation 220147 (VCV000220147.25), dbSNP rs757866392, ClinGen allele CA069865.

ClinVar aggregate classification (germline): Benign/Likely benign. Review status: criteria provided, multiple submitters, no conflicts (2 of 4 stars). 8 submissions from 8 submitters: Benign (2); Likely benign (6). Last evaluated 2025-08-20.

Conditions:
Hereditary nonpolyposis colorectal neoplasms. Identifiers: MedGen C0009405, MeSH D003123.
Hereditary cancer-predisposing syndrome. Also called: Hereditary neoplastic syndrome; Tumor predisposition; Hereditary Cancer Syndrome; Neoplastic Syndromes, Hereditary. Identifiers: Orphanet 140162, MedGen C0027672, MeSH D009386, MONDO:0015356.
Lynch syndrome. Identifiers: Orphanet 144, MedGen C4552100, MONDO:0005835. Disease mechanism: loss of function.
Lynch syndrome 5 (LYNCH5). Also called: Colorectal cancer, hereditary nonpolyposis, type 5; Hereditary non-polyposis colorectal cancer, type 5. Identifiers: Orphanet 144, MedGen C1833477, MONDO:0013710, OMIM 614350. Disease mechanism: loss of function.

Allele frequency attached by ClinVar (database versions not stated): TOPMed 0.00002.
gnomAD v4.1: 122 of 1,574,222 alleles (0.0077%); highest among the groups gnomAD compares: Non-Finnish European, 0.01%; no homozygotes.

Submissions (8):

Labcorp Genetics (formerly Invitae), Labcorp
Classification: Likely benign for Hereditary nonpolyposis colorectal neoplasms. Last evaluated: 2025-08-20. Review status: criteria provided, single submitter. Criteria: Invitae Variant Classification Sherloc (09022015). Collection method: clinical testing. Allele origin: germline.

Myriad Genetics, Inc.
Classification: Benign for Lynch syndrome 5. Last evaluated: 2025-01-02. Review status: criteria provided, single submitter. Criteria: Myriad Autosomal Dominant, Autosomal Recessive and X-Linked Classification Criteria (2023). Collection method: clinical testing. Allele origin: unknown.
Comment: This variant is considered benign. This variant is a silent/synonymous amino acid change and it is not expected to impact splicing.

Women's Health and Genetics/Laboratory Corporation of America, LabCorp
Classification: Likely benign. Last evaluated: 2024-10-07. Review status: criteria provided, single submitter. Criteria: LabCorp Variant Classification Summary - May 2015. Collection method: clinical testing. Allele origin: germline.
Comment: Variant summary: MSH6 c.2958C>T alters a non-conserved nucleotide resulting in a synonymous change. Consensus agreement among computation tools predict no significant impact on normal splicing. However, these predictions have yet to be confirmed by functional studies. The variant allele was found at a frequency of 1.4e-05 in 220130 control chromosomes. The available data on variant occurrences in the general population are insufficient to allow any conclusion about variant significance. To our knowledge, no occurrence of c.2958C>T in individuals affected with Hereditary Nonpolyposis Colorectal Cancer/Lynch Syndrome and no experimental evidence demonstrating its impact on protein function have been reported. ClinVar contains an entry for this variant (Variation ID: 220147). Based on the evidence outlined above, the variant was classified as likely benign.

All of Us Research Program, National Institutes of Health
Classification: Likely benign for Lynch syndrome. Last evaluated: 2023-08-28. Review status: criteria provided, single submitter. Criteria: ACMG Guidelines, 2015. Collection method: clinical testing. Allele origin: germline. Inheritance: Autosomal dominant inheritance. Observed: 3 variant alleles, 3 heterozygotes.
Comment: This study involves interpretation of variants in research participants for the purpose of population health screening. Participant phenotype was not available at the time of variant classification. Additional details can be found in publication PMID: 35346344, PMCID: PMC8962531

Quest Diagnostics Nichols Institute San Juan Capistrano
Classification: Likely benign. Last evaluated: 2020-04-12. Review status: criteria provided, single submitter. Criteria: Quest Diagnostics criteria. Collection method: clinical testing. Allele origin: unknown.

Color Diagnostics, LLC DBA Color Health
Classification: Likely benign for Hereditary cancer-predisposing syndrome. Last evaluated: 2016-11-21. Review status: criteria provided, single submitter. Criteria: ACMG Guidelines, 2015. Collection method: clinical testing. Allele origin: germline.

Ambry Genetics
Classification: Likely benign for Hereditary cancer-predisposing syndrome. Last evaluated: 2016-03-08. Review status: criteria provided, single submitter. Criteria: Ambry Variant Classification Scheme 2023. Collection method: clinical testing. Allele origin: germline.

GeneDx
Classification: Benign. Last evaluated: 2015-03-03. Review status: criteria provided, single submitter. Criteria: GeneDx Variant Classification Process June 2021. Collection method: clinical testing. Allele origin: germline. Affected: yes.